The following is an entry in ClinVar:

NM_006206.6(PDGFRA):c.704G>T (p.Cys235Phe)

Gene: PDGFRA (platelet derived growth factor receptor alpha; plus strand). Cytogenetic location: 4q12.
Variant type: single nucleotide variant.
Coding change: c.704G>T on transcript NM_006206.6 (MANE Select); coding-DNA position 704, G replaced by T.
Protein change: p.Cys235Phe; replaces cysteine 235 with phenylalanine.
Molecular consequence: missense variant.
Genome position (GRCh38, 1-based): chr4:54,264,994, G>T. VCF-style: chr4-54264994-G-T. GRCh37 (hg19) VCF-style: chr4-55131161-G-T.
Other names: c.704G>T, p.Cys235Phe (NM_001347827.2, NM_001347829.2); c.779G>T, p.Cys260Phe (NM_001347828.2); c.743G>T, p.Cys248Phe (NM_001347830.2); short protein forms C235F, C248F, C260F.
Identifiers: ClinVar variation 4530355 (VCV004530355.1).

ClinVar aggregate classification (somatic clinical impact): Tier I - Strong (1 of 4 stars; one submission).

Conditions:
Diffuse glioma, H3 G34 mutant. Identifiers: MedGen CN377580, MONDO:0957197.

Submission:

Institute for Genomic Medicine (IGM) Clinical Laboratory, Nationwide Children's Hospital
Classification: Tier I - Strong for Diffuse glioma, H3 G34 mutant. Assertion type: diagnostic. Clinical significance: supports diagnosis. Last evaluated: 2025-03-03. Review status: criteria provided, single submitter. Criteria: AMP/ASCO/CAP Guidelines, 2017. Collection method: clinical testing. Allele origin: somatic. Affected: yes.
Comment: Variant has Tier I (strong) clinical significance as a diagnostic inclusion criterion in diffuse glioma, H3 G34 mutant, based on the following evidence: 1) Documented in one or more cancer databases (e.g., St. Jude Pecan, COSMIC, CIViC, OncoKB). 2) Appears in one or more well-established professional guidelines (e.g., World Health Organization [WHO]; National Comprehensive Cancer Network [NCCN]) as providing diagnostic, prognostic, or therapeutic information. 3) Information in the literature supports potential biologic effect of variant (PMID: 33259802). 4) Diagnostic for a specific tumor type/classification based on well-powered studies with expert-level consensus (Evidence Level B; PMIDs: 23970477, 20129251, 25230881, 28966033, 29763623, 24705250).

Literature cited by the submitters: PubMed 33259802; PubMed 23970477; PubMed 20129251; PubMed 25230881; PubMed 28966033; PubMed 29763623; PubMed 24705250.